The following is an entry in ClinVar:

NM_052947.4(ALPK2):c.5359G>A (p.Val1787Ile)

Gene: ALPK2 (alpha kinase 2; minus strand). Cytogenetic location: 18q21.31.
Variant type: single nucleotide variant.
Coding change: c.5359G>A on transcript NM_052947.4 (MANE Select); coding-DNA position 5359, G replaced by A.
Protein change: p.Val1787Ile; replaces valine 1787 with isoleucine.
Molecular consequence: missense variant.
Genome position (GRCh38, 1-based): chr18:58,529,233, C>T on the plus strand (G>A on the coding strand, the complement: ALPK2 is on the minus strand). VCF-style: chr18-58529233-C-T. GRCh37 (hg19) VCF-style: chr18-56196465-C-T.
Other names: short protein forms V1787I.
Identifiers: ClinVar variation 3289732 (VCV003289732.1).
Genomic context (GRCh38, chr18:58,529,233, plus strand): 5'-TTAATTTTACATTTCCAGAGTGTTCAGGGAACATCTCAGCTTGGATCTTTTTCAGTAATA[C>T]TGGAGCTAGAAACAAGATATTTGAAGGTCAGTGTAACAAAAGACTTTCCCATTTCATACC-3'
Protein context (NP_443179.3, residues 1777-1797): PSCKREGRAP[Val1787Ile]LLKKIQAEMF

ClinVar aggregate classification (germline): Uncertain significance (1 of 4 stars; one submission).

gnomAD v4.1: 1 of 1,610,608 alleles (0.000062%); highest among the groups gnomAD compares: Middle Eastern, 0.016%; no homozygotes.

Submission:

Ambry Genetics
Classification: Uncertain significance. Last evaluated: 2024-05-19. Review status: criteria provided, single submitter. Criteria: Ambry Variant Classification Scheme 2023. Collection method: clinical testing. Allele origin: germline.
Comment: The p.V1787I variant (also known as c.5359G>A), located in coding exon 5 of the ALPK2 gene, results from a G to A substitution at nucleotide position 5359. The valine at codon 1787 is replaced by isoleucine, an amino acid with highly similar properties. This amino acid position is conserved. In addition, this alteration is predicted to be tolerated by in silico analysis. Based on the available evidence, the clinical significance of this variant remains unclear.